The following is an entry in ClinVar:

NM_000540.3(RYR1):c.6359T>C (p.Met2120Thr)

Gene: RYR1 (ryanodine receptor 1; plus strand). Cytogenetic location: 19q13.2.
Variant type: single nucleotide variant.
Coding change: c.6359T>C on transcript NM_000540.3 (MANE Select); coding-DNA position 6359, T replaced by C.
Protein change: p.Met2120Thr; replaces methionine 2120 with threonine.
Molecular consequence: missense variant.
Genome position (GRCh38, 1-based): chr19:38,494,436, T>C. VCF-style: chr19-38494436-T-C. GRCh37 (hg19) VCF-style: chr19-38985076-T-C.
Other names: c.6359T>C, p.Met2120Thr (NM_001042723.2); short protein forms M2120T.
Identifiers: ClinVar variation 93280 (VCV000093280.17), dbSNP rs398123473, ClinGen allele CA024569.

ClinVar aggregate classification (germline): Conflicting classifications of pathogenicity. Review status: criteria provided, conflicting classifications (1 of 4 stars). 7 submissions from 7 submitters: Likely pathogenic (2); Uncertain significance (5). Last evaluated 2025-11-19.

Conditions:
Congenital multicore myopathy with external ophthalmoplegia (CMYO1B). Also called: MULTICORE MYOPATHY; Minicore myopathy with external ophthalmoplegia; Congenital myopathy 1B, autosomal recessive; Minicore myopathy; MULTIMINICORE DISEASE WITH EXTERNAL OPHTHALMOPLEGIA. Identifiers: Orphanet 598, Orphanet 98905, MedGen C1850674, MONDO:0009712, OMIM 255320, HP:0003789.
Congenital myopathy with fiber type disproportion. Also called: Congenital fiber-type disproportion myopathy; Congenital fiber-type disproportion. Identifiers: Orphanet 2020, MedGen C0546264, MONDO:0009711. Inheritance: all.
Central core myopathy (CMYO1A). Also called: Central core disease; Myopathy, central fibrillar; CONGENITAL MYOPATHY 1A, AUTOSOMAL DOMINANT, WITH SUSCEPTIBILITY TO MALIGNANT HYPERTHERMIA. Identifiers: Orphanet 597, MedGen C5830701, MONDO:0007294, OMIM 117000.
Malignant hyperthermia, susceptibility to, 1 (MHS1). Also called: Malignant hyperthermia suceptibility 1; Anesthesia related hyperthermia; Malignant hyperpyrexia; Fulminating hyperpyrexia; Pharmacogenic myopathy; RYR1-Related Malignant Hyperthermia Susceptibility. Identifiers: Orphanet 423, MedGen C2930980, MONDO:0007783, OMIM 145600.
King Denborough syndrome (KDS). Identifiers: MedGen C1840365, MONDO:0020485, OMIM 619542.
RYR1-related disorder. Also called: RYR1-related disorders; RYR1-related condition. Identifiers: MedGen CN239331.

Allele frequency attached by ClinVar (database versions not stated): TOPMed 0.00001; gnomAD 0.00002; gnomAD exomes 0.00001; ExAC 0.00003.
gnomAD v4.1: 17 of 1,612,314 alleles (0.0011%); highest among the groups gnomAD compares: African/African-American, 0.0067%; no homozygotes.

Submissions (7):

Labcorp Genetics (formerly Invitae), Labcorp
Classification: Likely pathogenic for RYR1-related disorder. Last evaluated: 2025-11-19. Review status: criteria provided, single submitter. Criteria: Invitae Variant Classification Sherloc (09022015). Collection method: clinical testing. Allele origin: germline.
Comment: This sequence change replaces methionine, which is neutral and non-polar, with threonine, which is neutral and polar, at codon 2120 of the RYR1 protein (p.Met2120Thr). This variant is present in population databases (rs398123473, gnomAD 0.01%). This missense change has been observed in individual(s) with clinical features of autosomal recessive RYR1-related conditions and/or clinical features of autosomal recessive RYR1-related myopathy (PMID: 30611313, 39742415). In at least one individual the data is consistent with being in trans (on the opposite chromosome) from a pathogenic variant. However the clinical presentation was mild with late-adult onset and mild muscle weakness (PMID: 30611313). ClinVar contains an entry for this variant (Variation ID: 93280). Invitae Evidence Modeling of protein sequence and biophysical properties (such as structural, functional, and spatial information, amino acid conservation, physicochemical variation, residue mobility, and thermodynamic stability) indicates that this missense variant is not expected to disrupt RYR1 protein function with a negative predictive value of 80%. In summary, the currently available evidence indicates that the variant is pathogenic, but additional data are needed to prove that conclusively. Therefore, this variant has been classified as Likely Pathogenic.

All of Us Research Program, National Institutes of Health
Classification: Uncertain significance for Malignant hyperthermia, susceptibility to, 1. Last evaluated: 2023-11-02. Review status: criteria provided, single submitter. Criteria: ACMG Guidelines, 2015. Collection method: clinical testing. Allele origin: germline. Inheritance: Autosomal dominant inheritance. Observed: 2 variant alleles, 2 heterozygotes.
Comment: This missense variant replaces methionine with threonine at codon 2120 of the RYR1 protein. Computational prediction suggests that this variant may have deleterious impact on protein structure and function (internally defined REVEL score threshold >= 0.7, PMID: 27666373). This variant occurs in a region of the RYR1 protein that is considered to be a hotspot for pathogenic variants that contribute to malignant hyperthermia susceptibility (PMID: 21118704). To our knowledge, functional studies have not been reported for this variant. This variant has not been reported in individuals affected with autosomal dominant malignant hyperthermia in the literature, although it is associated with other phenotype(s) (ClinVar variation ID: 93280). This variant has been identified in 3/250306 chromosomes in the general population by the Genome Aggregation Database (gnomAD). Due to insufficient evidence, this variant is classified as a Variant of Uncertain Significance for autosomal dominant malignant hyperthermia.

This study involves interpretation of variants in research participants for the purpose of population health screening. Participant phenotype was not available at the time of variant classification. Additional details can be found in publication PMID: 35346344, PMCID: PMC8962531

Color Diagnostics, LLC DBA Color Health
Classification: Uncertain significance for Malignant hyperthermia, susceptibility to, 1. Last evaluated: 2023-10-19. Review status: criteria provided, single submitter. Criteria: ACMG Guidelines, 2015. Collection method: clinical testing. Allele origin: germline.
Comment: This missense variant replaces methionine with threonine at codon 2120 of the RYR1 protein. Computational prediction suggests that this variant may have deleterious impact on protein structure and function. This variant occurs in a region of the RYR1 protein that is considered to be a hotspot for pathogenic variants that contribute to malignant hyperthermia susceptibility (PMID: 21118704). To our knowledge, functional studies have not been reported for this variant. This variant has not been reported in individuals affected with autosomal dominant malignant hyperthermia in the literature, although it is associated with other phenotype(s) (ClinVar variation ID: 93280). This variant has been identified in 3/250306 chromosomes in the general population by the Genome Aggregation Database (gnomAD). Due to insufficient evidence, this variant is classified as a Variant of Uncertain Significance for autosomal dominant malignant hyperthermia.

Blueprint Genetics
Classification: Likely pathogenic for RYR1-related disorders. Last evaluated: 2023-10-11. Review status: criteria provided, single submitter. Criteria: ACMG Guidelines, 2015. Collection method: clinical testing. Allele origin: germline. Affected: yes. Observed: 2 variant alleles.

Revvity Omics, Revvity
Classification: Uncertain significance. Last evaluated: 2022-05-23. Review status: criteria provided, single submitter. Criteria: ACMG Guidelines, 2015. Collection method: clinical testing. Allele origin: germline.

Fulgent Genetics
Classification: Uncertain significance for Central core myopathy; Malignant hyperthermia, susceptibility to, 1; Congenital myopathy 4A, autosomal dominant; Congenital multicore myopathy with external ophthalmoplegia; King Denborough syndrome. Last evaluated: 2021-09-22. Review status: criteria provided, single submitter. Criteria: ACMG Guidelines, 2015. Collection method: clinical testing. Allele origin: unknown.

Eurofins Ntd Llc (ga)
Classification: Uncertain significance. Last evaluated: 2012-08-20. Review status: criteria provided, single submitter. Criteria: EGL Classification Definitions 2015. Collection method: clinical testing. Allele origin: germline. Observed: 1 variant allele, 1 heterozygote.

Literature cited by the submitters: PubMed 30611313 (cited by Labcorp Genetics (formerly Invitae), Labcorp); PubMed 39742415 (cited by Labcorp Genetics (formerly Invitae), Labcorp); PubMed 21118704 (cited by All of Us Research Program, National Institutes of Health and Color Diagnostics, LLC DBA Color Health).